The following is an entry in ClinVar:

ClinVar aggregate classification (germline): Benign/Likely benign. Review status: criteria provided, multiple submitters, no conflicts (2 of 4 stars). 2 submissions from 2 submitters: Benign (1); Likely benign (1). Last evaluated 2026-02-01.

Allele frequency attached by ClinVar (database versions not stated): gnomAD 0.00007; gnomAD exomes 0.00007; ExAC 0.00024; 1000 Genomes Project 30x 0.00062; TOPMed below 0.00001; 1000 Genomes Project 0.00080.
gnomAD v4.1: 107 of 1,613,878 alleles (0.0066%); highest among the groups gnomAD compares: South Asian, 0.11%; 3 homozygotes.

Submissions (2):

CeGaT Center for Human Genetics Tuebingen
Classification: Likely benign. Last evaluated: 2026-02-01. Review status: criteria provided, single submitter. Criteria: CeGaT Center For Human Genetics Tuebingen Variant Classification Criteria Version 2. Collection method: clinical testing. Allele origin: germline. Affected: yes. Observed: 1 variant allele.
Comment: VPS11: BP4, BP7

Labcorp Genetics (formerly Invitae), Labcorp
Classification: Benign. Last evaluated: 2024-02-08. Review status: criteria provided, single submitter. Criteria: Invitae Variant Classification Sherloc (09022015). Collection method: clinical testing. Allele origin: germline.

NM_021729.6(VPS11):c.2613C>A (p.Ile871=)

Gene: VPS11 (VPS11 core subunit of CORVET and HOPS complexes; plus strand). Cytogenetic location: 11q23.3.
Variant type: single nucleotide variant.
Coding change: c.2613C>A on transcript NM_021729.6 (MANE Select); coding-DNA position 2613, C replaced by A.
Protein change: p.Ile871=; no amino-acid change (isoleucine 871 retained).
Molecular consequence: synonymous variant. On other transcripts: non-coding transcript variant (8).
Genome position (GRCh38, 1-based): chr11:119,081,266, C>A. VCF-style: chr11-119081266-C-A. GRCh37 (hg19) VCF-style: chr11-118951976-C-A.
Other names: c.2583C>A, p.Ile861= (NM_001290185.2); c.2625C>A, p.Ile875= (NM_001378218.1, NM_001378219.1); c.2598C>A, p.Ile866= (NM_001378220.1); c.2595C>A, p.Ile865= (NM_001378221.1).
Identifiers: ClinVar variation 2888292 (VCV002888292.7), dbSNP rs560403923, ClinGen allele CA6313740.